The following is an entry in ClinVar:

NM_007294.4(BRCA1):c.4076A>G (p.Gln1359Arg)

Genes: BRCA1 (BRCA1 DNA repair associated; minus strand), LOC126862571 (BRD4-independent group 4 enhancer GRCh37_chr17:41243136-41244335; plus strand). Cytogenetic location: 17q21.31.
Variant type: single nucleotide variant.
Coding change: c.4076A>G on transcript NM_007294.4 (MANE Select); coding-DNA position 4076, A replaced by G.
Protein change: p.Gln1359Arg; replaces glutamine 1359 with arginine.
Molecular consequence: missense variant. On other transcripts: intron variant (135).
Genome position (GRCh38, 1-based): chr17:43,091,455, T>C on the plus strand (A>G on the coding strand, the complement: BRCA1 is on the minus strand). VCF-style: chr17-43091455-T-C. GRCh37 (hg19) VCF-style: chr17-41243472-T-C.
Other names: c.3935A>G, p.Gln1312Arg (NM_001407945.1, NM_007297.4, NM_001407692.1 and 29 more transcripts); c.3743A>G, p.Gln1248Arg (NM_001407946.1, NM_001407947.1, NM_001407948.1 and 6 more transcripts); c.3740A>G, p.Gln1247Arg (NM_001407958.1, NM_001407954.1, NM_001407955.1 and 1 more transcripts); c.3695A>G, p.Gln1232Arg (NM_001407959.1, NM_001407960.1, NM_001407963.1); c.1472A>G, p.Gln491Arg (NM_001407969.1, NM_001407968.1); c.4076A>G, p.Gln1359Arg (NM_007300.4, NM_001407581.1, NM_001407582.1 and 30 more transcripts); c.647-423A>G (NM_001408458.1, NM_001408469.1, NM_001408453.1 and 11 more transcripts); c.284-423A>G (NM_001408512.1); and 41 more; short protein forms Q1359R, Q1312R, Q1288R, Q1289R, Q1318R, Q1333R, Q1191R, Q1247R.
Identifiers: ClinVar variation 1345247 (VCV001345247.12), dbSNP rs1567789002, ClinGen allele CA10593808.

ClinVar aggregate classification (germline): Conflicting classifications of pathogenicity. Review status: criteria provided, conflicting classifications (1 of 4 stars). 3 submissions from 3 submitters: Uncertain significance (2); Likely benign (1). Last evaluated 2024-11-20.

Conditions:
Hereditary cancer-predisposing syndrome. Also called: Hereditary neoplastic syndrome; Tumor predisposition; Neoplastic Syndromes, Hereditary; Hereditary Cancer Syndrome. Identifiers: Orphanet 140162, MedGen C0027672, MeSH D009386, MONDO:0015356.
Hereditary breast ovarian cancer syndrome. Also called: Hereditary breast and ovarian cancer; Hereditary breast and/or ovarian cancer syndrome; Breast and ovarian cancer; BRCA1- and BRCA2-Associated Hereditary Breast and Ovarian Cancer; Hereditary breast and ovarian cancer syndrome; Hereditary breast and ovarian cancer syndrome (HBOC). Identifiers: Orphanet 145, MedGen C0677776, MeSH D061325, MONDO:0003582. Disease mechanism: loss of function.

Submissions (3):

Ambry Genetics
Classification: Uncertain significance for Hereditary cancer-predisposing syndrome. Last evaluated: 2024-11-20. Review status: criteria provided, single submitter. Criteria: Ambry Variant Classification Scheme 2023. Collection method: clinical testing. Allele origin: germline.
Comment: The p.Q1359R variant (also known as c.4076A>G), located in coding exon 9 of the BRCA1 gene, results from an A to G substitution at nucleotide position 4076. The glutamine at codon 1359 is replaced by arginine, an amino acid with highly similar properties. This amino acid position is not well conserved in available vertebrate species. In addition, the in silico prediction for this alteration is inconclusive. Based on the available evidence, the clinical significance of this variant remains unclear.

University of Washington Department of Laboratory Medicine, University of Washington
Classification: Likely benign for Hereditary cancer-predisposing syndrome. Last evaluated: 2023-03-23. Review status: criteria provided, single submitter. Criteria: Dines et al. (Genet Med. 2020). Collection method: curation. Allele origin: germline.
Comment: Missense variant in a coldspot region where missense variants are very unlikely to be pathogenic (PMID:31911673).

BRCA1 coldspot (exon 11 using historical exon numbering). Reclassification based on statistical prior probability

Labcorp Genetics (formerly Invitae), Labcorp
Classification: Uncertain significance for Hereditary breast ovarian cancer syndrome. Last evaluated: 2021-04-14. Review status: criteria provided, single submitter. Criteria: Invitae Variant Classification Sherloc (09022015). Collection method: clinical testing. Allele origin: germline.
Comment: In summary, the available evidence is currently insufficient to determine the role of this variant in disease. Therefore, it has been classified as a Variant of Uncertain Significance. Advanced modeling of protein sequence and biophysical properties (such as structural, functional, and spatial information, amino acid conservation, physicochemical variation, residue mobility, and thermodynamic stability) performed at Invitae indicates that this missense variant is not expected to disrupt BRCA1 protein function. This variant has not been reported in the literature in individuals with BRCA1-related conditions. This variant is not present in population databases (ExAC no frequency). This sequence change replaces glutamine with arginine at codon 1359 of the BRCA1 protein (p.Gln1359Arg). The glutamine residue is moderately conserved and there is a small physicochemical difference between glutamine and arginine.